The following is an entry in ClinVar:

NM_000081.4(LYST):c.10108G>C (p.Ala3370Pro)

Genes: LYST (lysosomal trafficking regulator; minus strand), LOC126806063 (MED14-independent group 3 enhancer GRCh37_chr1:235871544-235872743; plus strand). Cytogenetic location: 1q42.3.
Variant type: single nucleotide variant.
Coding change: c.10108G>C on transcript NM_000081.4 (MANE Select); coding-DNA position 10108, G replaced by C.
Protein change: p.Ala3370Pro; replaces alanine 3370 with proline.
Molecular consequence: missense variant.
Genome position (GRCh38, 1-based): chr1:235,709,126, C>G on the plus strand (G>C on the coding strand, the complement: LYST is on the minus strand). VCF-style: chr1-235709126-C-G. GRCh37 (hg19) VCF-style: chr1-235872426-C-G.
Other names: p.Ala3370Pro; c.10108G>C, p.Ala3370Pro (NM_001301365.1); short protein forms A3370P.
Identifiers: ClinVar variation 1053162 (VCV001053162.6), dbSNP rs748108980, ClinGen allele CA1465447.

ClinVar aggregate classification (germline): Uncertain significance. Review status: criteria provided, multiple submitters, no conflicts (2 of 4 stars). 3 submissions from 3 submitters: Uncertain significance (3). Last evaluated 2024-12-16.

Conditions:
Chédiak-Higashi syndrome (CHS). Also called: Chediak-Higashi Syndrome. Identifiers: Orphanet 167, MedGen C0007965, MONDO:0008963, OMIM 214500.

Allele frequency attached by ClinVar (database versions not stated): gnomAD 0.00001; TOPMed 0.00001.
gnomAD v4.1: 77 of 1,613,962 alleles (0.0048%); highest among the groups gnomAD compares: Middle Eastern, 0.033%; no homozygotes.

Submissions (3):

Labcorp Genetics (formerly Invitae), Labcorp
Classification: Uncertain significance for Chédiak-Higashi syndrome. Last evaluated: 2024-12-16. Review status: criteria provided, single submitter. Criteria: Invitae Variant Classification Sherloc (09022015). Collection method: clinical testing. Allele origin: germline.
Comment: This sequence change replaces alanine, which is neutral and non-polar, with proline, which is neutral and non-polar, at codon 3370 of the LYST protein (p.Ala3370Pro). This variant is present in population databases (rs748108980, gnomAD 0.01%). This variant has not been reported in the literature in individuals affected with LYST-related conditions. ClinVar contains an entry for this variant (Variation ID: 1053162). Invitae Evidence Modeling of protein sequence and biophysical properties (such as structural, functional, and spatial information, amino acid conservation, physicochemical variation, residue mobility, and thermodynamic stability) has been performed for this missense variant. However, the output from this modeling did not meet the statistical confidence thresholds required to predict the impact of this variant on LYST protein function. In summary, the available evidence is currently insufficient to determine the role of this variant in disease. Therefore, it has been classified as a Variant of Uncertain Significance.

Mayo Clinic Laboratories, Mayo Clinic
Classification: Uncertain significance. Last evaluated: 2023-08-30. Review status: criteria provided, single submitter. Criteria: ACMG Guidelines, 2015. Collection method: clinical testing. Allele origin: germline. Observed: 1 variant allele.

Breakthrough Genomics
Classification: Uncertain significance. Review status: criteria provided, single submitter. Criteria: ACMG Guidelines, 2015. Collection method: not provided. Allele origin: germline. Inheritance: Autosomal recessive inheritance. Affected: yes.